The following is an entry in ClinVar:

NM_152384.3(BBS5):c.161A>G (p.Asn54Ser)

Gene: BBS5 (Bardet-Biedl syndrome 5; plus strand). Cytogenetic location: 2q31.1.
Variant type: single nucleotide variant.
Coding change: c.161A>G on transcript NM_152384.3 (MANE Select); coding-DNA position 161, A replaced by G.
Protein change: p.Asn54Ser; replaces asparagine 54 with serine.
Molecular consequence: missense variant.
Genome position (GRCh38, 1-based): chr2:169,487,087, A>G. VCF-style: chr2-169487087-A-G. GRCh37 (hg19) VCF-style: chr2-170343597-A-G.
Other names: short protein forms N54S.
Identifiers: ClinVar variation 4994776 (VCV004994776.1).

ClinVar aggregate classification (germline): Uncertain significance (1 of 4 stars; one submission).

Conditions:
BBS5-related disorder. Also called: BBS5-related condition.

Submission:

PreventionGenetics, part of Exact Sciences
Classification: Uncertain significance for BBS5-related condition. Last evaluated: 2025-09-24. Review status: criteria provided, single submitter. Criteria: ACMG Guidelines, 2015. Collection method: clinical testing. Allele origin: germline.
Comment: The BBS5 c.161A>G variant is predicted to result in the amino acid substitution p.Asn54Ser. To our knowledge, this variant has not been reported in the literature or in a large population database (gnomAD), indicating this variant is rare. At this time, the clinical significance of this variant is uncertain due to the absence of conclusive functional and genetic evidence.